The following is an entry in ClinVar:

NM_016148.5(SHANK1):c.1665C>T (p.Pro555=)

Gene: SHANK1 (SH3 and multiple ankyrin repeat domains 1; minus strand). Cytogenetic location: 19q13.33.
Variant type: single nucleotide variant.
Coding change: c.1665C>T on transcript NM_016148.5 (MANE Select); coding-DNA position 1665, C replaced by T.
Protein change: p.Pro555=; no amino-acid change (proline 555 retained).
Molecular consequence: synonymous variant.
Genome position (GRCh38, 1-based): chr19:50,702,549, G>A on the plus strand (C>T on the coding strand, the complement: SHANK1 is on the minus strand). VCF-style: chr19-50702549-G-A. GRCh37 (hg19) VCF-style: chr19-51205806-G-A.
Identifiers: ClinVar variation 781883 (VCV000781883.27), dbSNP rs146391723, ClinGen allele CA9601816.
Genomic context (GRCh38, chr19:50,702,549, plus strand): 5'-CAGGGAGATCTCCCCCTCGGCTTGGGCCTGGTAGGACTTCACAGCCATGAAGGAGCGTCC[G>A]GGTACCGCTGAGTAGAGCTTCCTCCGCCTCCCGCGGCTGCCCAGGGAGCCCCCGGGGCCC-3'
Protein context (NP_057232.2, residues 545-565): GRRRKLYSAV[Pro555=]GRSFMAVKSY

ClinVar aggregate classification (germline): Benign. Review status: criteria provided, multiple submitters, no conflicts (2 of 4 stars). 2 submissions from 2 submitters: Benign (2). Last evaluated 2023-08-01.

Allele frequency attached by ClinVar (database versions not stated): 1000 Genomes Project 30x 0.00078; 1000 Genomes Project 0.00100; TOPMed 0.00356; gnomAD exomes 0.00395 and 0.00722; gnomAD 0.00410 and 0.00429; ExAC 0.00452; ESP Exome Variant Server 0.00538.
gnomAD v4.1: 11,004 of 1,613,106 alleles (0.68%); highest among the groups gnomAD compares: Non-Finnish European, 0.87%; 59 homozygotes.

Submissions (2):

CeGaT Center for Human Genetics Tuebingen
Classification: Benign. Last evaluated: 2023-08-01. Review status: criteria provided, single submitter. Criteria: CeGaT Center For Human Genetics Tuebingen Variant Classification Criteria Version 2. Collection method: clinical testing. Allele origin: germline. Affected: yes. Observed: 2 variant alleles.
Comment: SHANK1: BP4, BP7, BS1, BS2

Labcorp Genetics (formerly Invitae), Labcorp
Classification: Benign. Last evaluated: 2018-07-18. Review status: criteria provided, single submitter. Criteria: Invitae Variant Classification Sherloc (09022015). Collection method: clinical testing. Allele origin: germline.